The following is an entry in ClinVar:

NM_000260.4(MYO7A):c.1542C>A (p.Ser514Arg)

Gene: MYO7A (myosin VIIA; plus strand). Cytogenetic location: 11q13.5.
Variant type: single nucleotide variant.
Coding change: c.1542C>A on transcript NM_000260.4 (MANE Select); coding-DNA position 1542, C replaced by A.
Protein change: p.Ser514Arg; replaces serine 514 with arginine.
Molecular consequence: missense variant.
Genome position (GRCh38, 1-based): chr11:77,162,318, C>A. VCF-style: chr11-77162318-C-A. GRCh37 (hg19) VCF-style: chr11-76873364-C-A.
Other names: c.1542C>A, p.Ser514Arg (NM_001127180.2); c.1509C>A, p.Ser503Arg (NM_001369365.1); c.1542C>A (NM_000260.3); short protein forms S503R, S514R.
Identifiers: ClinVar variation 3718104 (VCV003718104.3).
Genomic context (GRCh38, chr11:77,162,318, plus strand): 5'-TGCCCTGGACATGATTGCCAACAAGCCCATGAACATCATCTCCCTCATCGATGAGGAGAG[C>A]AAGTTCCCCAAGGTGGGCCGGTCCTGCTGCCGCCTCCCAGGGTCTTGGGTGCGCACAGCT-3'
Protein context (NP_000251.3, residues 504-524): MNIISLIDEE[Ser514Arg]KFPKGTDTTM

ClinVar aggregate classification (germline): Conflicting classifications of pathogenicity. Review status: criteria provided, conflicting classifications (1 of 4 stars). 2 submissions from 2 submitters: Likely pathogenic (1); Uncertain significance (1). Last evaluated 2025-04-28.

gnomAD v4.1: 1 of 1,551,644 alleles (0.000064%); highest among the groups gnomAD compares: Non-Finnish European, 0.000087%; no homozygotes.

Submissions (2):

Labcorp Genetics (formerly Invitae), Labcorp
Classification: Uncertain significance. Last evaluated: 2025-04-28. Review status: criteria provided, single submitter. Criteria: Invitae Variant Classification Sherloc (09022015). Collection method: clinical testing. Allele origin: germline.
Comment: This sequence change replaces serine, which is neutral and polar, with arginine, which is basic and polar, at codon 514 of the MYO7A protein (p.Ser514Arg). This variant is not present in population databases (gnomAD no frequency). This variant has not been reported in the literature in individuals affected with MYO7A-related conditions. ClinVar contains an entry for this variant (Variation ID: 3718104). Invitae Evidence Modeling of protein sequence and biophysical properties (such as structural, functional, and spatial information, amino acid conservation, physicochemical variation, residue mobility, and thermodynamic stability) indicates that this missense variant is expected to disrupt MYO7A protein function with a positive predictive value of 95%. In summary, the available evidence is currently insufficient to determine the role of this variant in disease. Therefore, it has been classified as a Variant of Uncertain Significance.

GeneDx
Classification: Likely pathogenic. Last evaluated: 2024-11-18. Review status: criteria provided, single submitter. Criteria: GeneDx Variant Classification Process June 2021. Collection method: clinical testing. Allele origin: germline. Affected: yes.
Comment: Not observed at significant frequency in large population cohorts (gnomAD); In silico analysis supports that this missense variant has a deleterious effect on protein structure/function; Has not been previously published as pathogenic or benign to our knowledge